The following is an entry in ClinVar:

ClinVar aggregate classification (germline): Benign. Review status: criteria provided, multiple submitters, no conflicts (2 of 4 stars). 4 submissions from 4 submitters: Benign (4). Last evaluated 2023-04-11.

Conditions:
Mitochondrial complex I deficiency, nuclear type 1. Also called: NADH-COENZYME Q REDUCTASE DEFICIENCY; MITOCHONDRIAL NADH DEHYDROGENASE COMPONENT OF COMPLEX I, DEFICIENCY OF. Identifiers: MedGen C6022305, MONDO:0100224, OMIM 252010.
Mitochondrial complex I deficiency, nuclear type 6. Also called: Mitochondrial complex 1 deficiency, nuclear type 6. Identifiers: MedGen C4748759, MONDO:0032611, OMIM 618228.

Allele frequency attached by ClinVar (database versions not stated): 1000 Genomes Project 30x 0.15459; 1000 Genomes Project 0.15895; gnomAD exomes 0.20000; gnomAD 0.12225 and 0.11879; TOPMed 0.12923.
gnomAD v4.1: 18,649 of 152,320 alleles (12%); highest among the groups gnomAD compares: East Asian, 33%; 1,445 homozygotes.

Submissions (4):

Genome-Nilou Lab
Classification: Benign for Mitochondrial complex I deficiency, nuclear type 6. Last evaluated: 2023-04-11. Review status: criteria provided, single submitter. Criteria: ACMG Guidelines, 2015. Collection method: clinical testing. Allele origin: germline. Affected: no.

GeneDx
Classification: Benign. Last evaluated: 2018-06-23. Review status: criteria provided, single submitter. Criteria: GeneDx Variant Classification Process June 2021. Collection method: clinical testing. Allele origin: germline. Affected: yes.

Illumina Laboratory Services, Illumina
Classification: Benign for Mitochondrial complex I deficiency, nuclear type 1. Last evaluated: 2018-01-13. Review status: criteria provided, single submitter. Criteria: ICSL Variant Classification Criteria 13 December 2019. Collection method: clinical testing. Allele origin: germline.
Comment: This variant was observed in the ICSL laboratory as part of a predisposition screen in an ostensibly healthy population. It had not been previously curated by ICSL or reported in the Human Gene Mutation Database (HGMD: prior to June 1st, 2018), and was therefore a candidate for classification through an automated scoring system. Utilizing variant allele frequency, disease prevalence and penetrance estimates, and inheritance mode, an automated score was calculated to assess if this variant is too frequent to cause the disease. Based on the score and internal cut-off values, a variant classified as benign is not then subjected to further curation. The score for this variant resulted in a classification of benign for this disease.

Breakthrough Genomics
Classification: Benign. Review status: criteria provided, single submitter. Criteria: ACMG Guidelines, 2015. Collection method: not provided. Allele origin: germline. Inheritance: Autosomal recessive inheritance. Affected: yes.

NM_004550.5(NDUFS2):c.-388G>T

Gene: NDUFS2 (NADH:ubiquinone oxidoreductase core subunit S2; plus strand). Cytogenetic location: 1q23.3.
Variant type: single nucleotide variant.
Coding change: c.-388G>T on transcript NM_004550.5; 388 bases upstream of the start codon, G replaced by T.
Molecular consequence: 5 prime UTR variant. On other transcripts: intron variant (2).
Genome position (GRCh38, 1-based): chr1:161,199,375, G>T. VCF-style: chr1-161199375-G-T. GRCh37 (hg19) VCF-style: chr1-161169165-G-T.
Other names: c.-388G>T (NM_001377301.1); c.-240+1888G>T (NM_001377300.1, NM_001377298.1).
Identifiers: ClinVar variation 293262 (VCV000293262.11), dbSNP rs3813623, ClinGen allele CA10608534.